The following is an entry in ClinVar:

NM_001080414.4(CCDC88C):c.2809A>T (p.Lys937Ter)

Gene: CCDC88C (coiled-coil and HOOK domain protein 88C; minus strand). Cytogenetic location: 14q32.11.
Variant type: single nucleotide variant.
Coding change: c.2809A>T on transcript NM_001080414.4 (MANE Select); coding-DNA position 2809, A replaced by T.
Protein change: p.Lys937Ter; replaces lysine 937 with a stop codon.
Molecular consequence: nonsense. On other transcripts: non-coding transcript variant (2).
Genome position (GRCh38, 1-based): chr14:91,309,914, T>A on the plus strand (A>T on the coding strand, the complement: CCDC88C is on the minus strand). VCF-style: chr14-91309914-T-A. GRCh37 (hg19) VCF-style: chr14-91776258-T-A.
Other names: short protein forms K937*.
Identifiers: ClinVar variation 5014597 (VCV005014597.1).
Genomic context (GRCh38, chr14:91,309,914, plus strand): 5'-CTCACGTGTCACTGCCGCTGTCGTCCTCCTGCAACAGCAGCTCCCTGTTGAGGCCGACCT[T>A]CTCCAGTTCCTGGCTCAGCTTGTCCAGCTCACTGCTGAGCTGCTGGCTCTTCAGCTTCTC-3'

ClinVar aggregate classification (germline): Pathogenic (1 of 4 stars; one submission).

Conditions:
Hydrocephalus, nonsyndromic, autosomal recessive 1 (HYC1). Also called: Hydrocephalus, nonsyndromic, autosomal recessive; Congenital hydrocephalus 1. Identifiers: Orphanet 2185, MedGen C3887608, MONDO:0009360, OMIM 236600.

Submission:

Myriad Genetics, Inc.
Classification: Pathogenic for Hydrocephalus, nonsyndromic, autosomal recessive 1. Last evaluated: 2025-06-15. Review status: criteria provided, single submitter. Criteria: Myriad Autosomal Dominant, Autosomal Recessive and X-Linked Classification Criteria (2023). Collection method: clinical testing. Allele origin: unknown.
Comment: NM_001080414.3(CCDC88C):c.2809A>T(K937*) is expected to be pathogenic in the context of congenital hydrocephalus, CCDC88C-related. This variant is predicted to lead to an abnormal or absent protein product due to the creation of a premature termination codon in CCDC88C, a gene where loss-of-function variants are known to be pathogenic. Please note: this variant was assessed in the context of healthy population screening.